The following is an entry in ClinVar:

NM_016222.4(DDX41):c.1154_1155del (p.Phe385fs)

Gene: DDX41 (DEAD-box helicase 41; minus strand). Cytogenetic location: 5q35.3.
Variant type: Deletion.
Coding change: c.1154_1155del on transcript NM_016222.4 (MANE Select); coding-DNA positions 1154 to 1155, 2 bases deleted (TT; older notation c.1154_1155delTT).
Protein change: p.Phe385fs; shifts the reading frame from phenylalanine 385.
Molecular consequence: frameshift variant.
Genome position (GRCh38, 1-based): chr5:177,513,428-177,513,429, AA deleted on the plus strand (TT on the coding strand, the reverse complement: DDX41 is on the minus strand); deleting any 2 consecutive bases within chr5:177,513,428-177,513,430 gives the same sequence; the c. name uses the placement nearest the transcript's 3' end. VCF-style (leftmost placement, unchanged base first): chr5-177513427-CAA-C. GRCh37 (hg19) VCF-style: chr5-176940428-CAA-C.
Other names: c.1154_1155delTT (NM_016222.2); c.776_777del, p.Phe259fs (NM_001321732.2, NM_001321830.2); short protein forms F259fs, F385fs.
Identifiers: ClinVar variation 3011422 (VCV003011422.4), dbSNP rs2532079821, ClinGen allele CA2740094192.

ClinVar aggregate classification (germline): Pathogenic. Review status: criteria provided, multiple submitters, no conflicts (2 of 4 stars). 2 submissions from 2 submitters: Pathogenic (2). Last evaluated 2026-04-07.

Conditions:
Inborn genetic diseases. Identifiers: MedGen C0950123, MeSH D030342.

Submissions (2):

Ambry Genetics
Classification: Pathogenic for Inborn genetic diseases. Last evaluated: 2026-04-07. Review status: criteria provided, single submitter. Criteria: Ambry Variant Classification Scheme 2023. Collection method: clinical testing. Allele origin: germline.
Comment: The c.1154_1155delTT pathogenic mutation, located in coding exon 11 of the DDX41 gene, results from a deletion of two nucleotides at nucleotide positions 1154 to 1155, causing a translational frameshift with a predicted alternate stop codon (p.F385Cfs*2). This variant is considered to be rare based on population cohorts in the Genome Aggregation Database (gnomAD). This alteration is expected to result in loss of function by premature protein truncation or nonsense-mediated mRNA decay. As such, this alteration is interpreted as a disease-causing mutation.

Labcorp Genetics (formerly Invitae), Labcorp
Classification: Pathogenic. Last evaluated: 2023-09-27. Review status: criteria provided, single submitter. Criteria: Invitae Variant Classification Sherloc (09022015). Collection method: clinical testing. Allele origin: germline.
Comment: This sequence change creates a premature translational stop signal (p.Phe385Cysfs*2) in the DDX41 gene. It is expected to result in an absent or disrupted protein product. Loss-of-function variants in DDX41 are known to be pathogenic (PMID: 26712909, 27133828). For these reasons, this variant has been classified as Pathogenic. This variant has not been reported in the literature in individuals affected with DDX41-related conditions. This variant is not present in population databases (gnomAD no frequency).

Literature cited by the submitters: PubMed 26712909 (cited by Labcorp Genetics (formerly Invitae), Labcorp); PubMed 27133828 (cited by Labcorp Genetics (formerly Invitae), Labcorp).